The following is an entry in ClinVar:

ClinVar aggregate classification (germline): Uncertain significance (1 of 4 stars; one submission).

Conditions:
Generalized epilepsy-paroxysmal dyskinesia syndrome (PNKD3). Also called: Generalized epilepsy and paroxysmal dyskinesia; Paroxysmal nonkinesigenic dyskinesia, 3, with or without generalized epilepsy. Identifiers: Orphanet 79137, MedGen C5574945, MONDO:0012276, OMIM 609446.

Allele frequency attached by ClinVar (database versions not stated): TOPMed below 0.00001.

Submission:

Labcorp Genetics (formerly Invitae), Labcorp
Classification: Uncertain significance for Generalized epilepsy-paroxysmal dyskinesia syndrome. Last evaluated: 2022-02-10. Review status: criteria provided, single submitter. Criteria: Invitae Variant Classification Sherloc (09022015). Collection method: clinical testing. Allele origin: germline.
Comment: In summary, the available evidence is currently insufficient to determine the role of this variant in disease. Therefore, it has been classified as a Variant of Uncertain Significance. Algorithms developed to predict the effect of sequence changes on RNA splicing suggest that this variant may create or strengthen a splice site. This variant has not been reported in the literature in individuals affected with KCNMA1-related conditions. This variant is not present in population databases (gnomAD no frequency). This sequence change affects codon 584 of the KCNMA1 mRNA. It is a 'silent' change, meaning that it does not change the encoded amino acid sequence of the KCNMA1 protein.

NM_001161352.2(KCNMA1):c.1752T>A (p.Ile584=)

Gene: KCNMA1 (potassium calcium-activated channel subfamily M alpha 1; minus strand). Cytogenetic location: 10q22.3.
Variant type: single nucleotide variant.
Coding change: c.1752T>A on transcript NM_001161352.2 (MANE Select); coding-DNA position 1752, T replaced by A.
Protein change: p.Ile584=; no amino-acid change (isoleucine 584 retained).
Molecular consequence: synonymous variant.
Genome position (GRCh38, 1-based): chr10:77,039,635, A>T on the plus strand (T>A on the coding strand, the complement: KCNMA1 is on the minus strand). VCF-style: chr10-77039635-A-T. GRCh37 (hg19) VCF-style: chr10-78799393-A-T.
Other names: c.1752T>A, p.Ile584= (NM_001014797.3, NM_001161353.2, NM_001271519.2 and 8 more transcripts); c.1590T>A, p.Ile530= (NM_001271518.2); c.1212T>A, p.Ile404= (NM_001322838.2).
Identifiers: ClinVar variation 2095982 (VCV002095982.4), dbSNP rs2094532803, ClinGen allele CA470526568.